The following is an entry in ClinVar:

ClinVar aggregate classification (germline): Uncertain significance (1 of 4 stars; one submission).

Conditions:
Neurodegeneration with brain iron accumulation 5 (NBIA5). Also called: Beta-propeller protein-associated neurodegeneration; STATIC ENCEPHALOPATHY OF CHILDHOOD WITH NEURODEGENERATION IN ADULTHOOD. Identifiers: Orphanet 329284, MedGen C3550973, MONDO:0010476, OMIM 300894.

Submission:

Labcorp Genetics (formerly Invitae), Labcorp
Classification: Uncertain significance for Neurodegeneration with brain iron accumulation 5. Last evaluated: 2017-07-12. Review status: criteria provided, single submitter. Criteria: Invitae Variant Classification Sherloc (09022015). Collection method: clinical testing. Allele origin: germline.
Comment: This variant is not present in population databases (ExAC no frequency). This sequence change replaces arginine with proline at codon 59 of the WDR45 protein (p.Arg59Pro). The arginine residue is highly conserved and there is a moderate physicochemical difference between arginine and proline. This variant has not been reported in the literature in individuals with a WDR45-related disease. Algorithms developed to predict the effect of missense changes on protein structure and function do not agree on the potential impact of this missense change (SIFT: "Deleterious"; PolyPhen-2: "Probably Damaging"; Align-GVGD: "Class C0"). In summary, this variant has uncertain impact on WDR45 function. The available evidence is currently insufficient to determine its role in disease. Therefore, it has been classified as a Variant of Uncertain Significance.

NM_001029896.2(WDR45):c.176G>C (p.Arg59Pro)

Genes: WDR45 (WD repeat domain 45; minus strand), LOC126863256 (BRD4-independent group 4 enhancer GRCh37_chrX:48934848-48936047; plus strand). Cytogenetic location: Xp11.23.
Variant type: single nucleotide variant.
Coding change: c.176G>C on transcript NM_001029896.2 (MANE Select); coding-DNA position 176, G replaced by C.
Protein change: p.Arg59Pro; replaces arginine 59 with proline.
Molecular consequence: missense variant.
Genome position (GRCh38, 1-based): chrX:49,077,702, C>G on the plus strand (G>C on the coding strand, the complement: WDR45 is on the minus strand). VCF-style: chrX-49077702-C-G. GRCh37 (hg19) VCF-style: chrX-48935361-C-G.
Other names: c.176G>C, p.Arg59Pro (NM_007075.4); short protein forms R59P.
Identifiers: ClinVar variation 473119 (VCV000473119.9), dbSNP rs1557084469, ClinGen allele CA412949162.